The following is an entry in ClinVar:

NM_001128.6(AP1G1):c.1674A>G (p.Glu558=)

Gene: AP1G1 (adaptor related protein complex 1 subunit gamma 1; minus strand). Cytogenetic location: 16q22.2.
Variant type: single nucleotide variant.
Coding change: c.1674A>G on transcript NM_001128.6 (MANE Select); coding-DNA position 1674, A replaced by G.
Protein change: p.Glu558=; no amino-acid change (glutamic acid 558 retained).
Molecular consequence: synonymous variant.
Genome position (GRCh38, 1-based): chr16:71,746,644, T>C on the plus strand (A>G on the coding strand, the complement: AP1G1 is on the minus strand). VCF-style: chr16-71746644-T-C. GRCh37 (hg19) VCF-style: chr16-71780547-T-C.
Other names: c.1683A>G, p.Glu561= (NM_001030007.2).
Identifiers: ClinVar variation 4822895 (VCV004822895.4).
Genomic context (GRCh38, chr16:71,746,644, plus strand): 5'-TCACCTCATGTGGTCATATTTCTTGAAAAGTGCATTATATTCTACTGCCCTCTGCTGGAG[T>C]TCCACATCAATGCTGCTTCCGTAGATGGAAACCACTTTCTTAATTCGGCTATAGATAAAA-3'
Protein context (NP_001119.3, residues 548-568): VSIYGSSIDV[Glu558=]LQQRAVEYNA

ClinVar aggregate classification (germline): Likely benign (1 of 4 stars; one submission).

gnomAD v4.1: 47 of 1,613,162 alleles (0.0029%); highest among the groups gnomAD compares: Admixed American, 0.077%; no homozygotes.

Submission:

CeGaT Center for Human Genetics Tuebingen
Classification: Likely benign. Last evaluated: 2026-08-01. Review status: criteria provided, single submitter. Criteria: CeGaT Center For Human Genetics Tuebingen Variant Classification Criteria Version 2. Collection method: clinical testing. Allele origin: germline. Affected: yes. Observed: 2 variant alleles.
Comment: AP1G1: BP4, BP7